The following is an entry in ClinVar:

NM_001365536.1(SCN9A):c.601T>G (p.Leu201Val)

Gene: SCN9A (sodium voltage-gated channel alpha subunit 9; minus strand). Cytogenetic location: 2q24.3.
Variant type: single nucleotide variant.
Coding change: c.601T>G on transcript NM_001365536.1 (MANE Select); coding-DNA position 601, T replaced by G.
Protein change: p.Leu201Val; replaces leucine 201 with valine.
Molecular consequence: missense variant.
Genome position (GRCh38, 1-based): chr2:166,304,325, A>C on the plus strand (T>G on the coding strand, the complement: SCN9A is on the minus strand). VCF-style: chr2-166304325-A-C. GRCh37 (hg19) VCF-style: chr2-167160835-A-C.
Other names: c.601T>G, p.Leu201Val (NM_002977.4); short protein forms L201V.
Identifiers: ClinVar variation 21349 (VCV000021349.15), dbSNP rs80356465, ClinGen allele CA341945.

ClinVar aggregate classification (germline): Uncertain significance. Review status: criteria provided, multiple submitters, no conflicts (2 of 4 stars). 4 submissions from 4 submitters: Uncertain significance (3). 1 of the submissions does not count toward it. Last evaluated 2026-01-13.

Conditions:
Inborn genetic diseases. Identifiers: MedGen C0950123, MeSH D030342.
Generalized epilepsy with febrile seizures plus, type 7 (GEFSP7). Also called: GEFS+, TYPE 7. Identifiers: Orphanet 36387, MedGen C2751778, MONDO:0013470, OMIM 613863.
Neuropathy, hereditary sensory and autonomic, type 2A (HSAN2A). Also called: HSAN IIA; ACROOSTEOLYSIS, GIACCAI TYPE; ACROOSTEOLYSIS, NEUROGENIC; MORVAN DISEASE; NEUROPATHY, CONGENITAL SENSORY; NEUROPATHY, HEREDITARY SENSORY RADICULAR, AUTOSOMAL RECESSIVE. Identifiers: Orphanet 970, MedGen C2752089, MONDO:0024309, OMIM 201300.
Primary erythromelalgia. Also called: primary erythermalgia; SCN9A Erythromelalgia (SCN9A-EM). Identifiers: Orphanet 306577, Orphanet 90026, MedGen C0014805, MONDO:0007571, OMIM 133020.

Allele frequency attached by ClinVar (database versions not stated): gnomAD 0.00001 and 0.00004; gnomAD exomes 0.00001 and 0.00002; TOPMed 0.00001.
gnomAD v4.1: 37 of 1,610,790 alleles (0.0023%); highest among the groups gnomAD compares: Admixed American, 0.0033%; no homozygotes.

Submissions (4):

Labcorp Genetics (formerly Invitae), Labcorp
Classification: Uncertain significance for Neuropathy, hereditary sensory and autonomic, type 2A; Generalized epilepsy with febrile seizures plus, type 7. Last evaluated: 2026-01-13. Review status: criteria provided, single submitter. Criteria: Invitae Variant Classification Sherloc (09022015). Collection method: clinical testing. Allele origin: germline.
Comment: This sequence change replaces leucine, which is neutral and non-polar, with valine, which is neutral and non-polar, at codon 201 of the SCN9A protein (p.Leu201Val). This variant is present in population databases (rs80356465, gnomAD 0.002%). This variant has not been reported in the literature in individuals affected with SCN9A-related conditions. ClinVar contains an entry for this variant (Variation ID: 21349). Invitae Evidence Modeling of protein sequence and biophysical properties (such as structural, functional, and spatial information, amino acid conservation, physicochemical variation, residue mobility, and thermodynamic stability) indicates that this missense variant is not expected to disrupt SCN9A protein function with a negative predictive value of 95%. In summary, the available evidence is currently insufficient to determine the role of this variant in disease. Therefore, it has been classified as a Variant of Uncertain Significance.

Dasa
Classification: Uncertain significance. Last evaluated: 2025-06-03. Review status: criteria provided, single submitter. Criteria: DASA Assertion Criteria. Collection method: clinical testing. Allele origin: germline.
Comment: NM_001365536.1(SCN9A):c.601T>G (p.Leu201Val) is a missense variant that results in the substitution of leucine with valine. This variant is rare in population databases. Computational prediction algorithms are consistent with a benign effect. The currently available literature and clinical evidence are not sufficient to establish a definitive association between this variant and the reported condition. Therefore, this variant is classified as a variant of uncertain significance.

Ambry Genetics
Classification: Uncertain significance for Inborn genetic diseases. Last evaluated: 2023-12-29. Review status: criteria provided, single submitter. Criteria: Ambry Variant Classification Scheme 2023. Collection method: clinical testing. Allele origin: germline.
Comment: The c.601T>G (p.L201V) alteration is located in exon 6 (coding exon 5) of the SCN9A gene. This alteration results from a T to G substitution at nucleotide position 601, causing the leucine (L) at amino acid position 201 to be replaced by a valine (V). The alteration is rare in population databases: _x000D_ _x000D_ Based on data from the Genome Aggregation Database (gnomAD), the c.601T>G alteration was observed in 0.001% (2/249,432) of total alleles studied. The altered amino acid is not conserved throughout evolution:_x000D_ _x000D_ The p.L201 amino acid is not conserved in available vertebrate species, and valine is the reference amino acid in multiple species. The alteration is predicted benign by in silico models:_x000D_ _x000D_ The p.L201V alteration is predicted to be benign by Polyphen and tolerated by SIFT in silico analyses. Based on insufficient or conflicting evidence, the clinical significance of this alteration remains unclear.

GeneReviews
No classification provided. Condition: Primary erythromelalgia. Review status: no classification provided. Collection method: literature only. Allele origin: unknown. Not counted in ClinVar's aggregate classification.

Literature cited by the submitters: PubMed 15302875 (cited by GeneReviews); PubMed 20301342 (cited by GeneReviews); NCBI Bookshelf NBK1163 (cited by GeneReviews).